The following is an entry in ClinVar:

ClinVar aggregate classification (germline): Pathogenic. Review status: criteria provided, multiple submitters, no conflicts (2 of 4 stars). 7 submissions from 7 submitters: Pathogenic (6). 1 of the submissions does not count toward it. Last evaluated 2026-09-08.

Conditions:
Fabry disease. Also called: GLA DEFICIENCY; HEREDITARY DYSTOPIC LIPIDOSIS; Angiokeratoma corporis diffusum; Fabry's disease; ALPHA-GALACTOSIDASE A DEFICIENCY; ANDERSON-FABRY DISEASE. Identifiers: Orphanet 324, MedGen C0002986, MONDO:0010526, OMIM 301500, HP:0001071. Disease mechanism: Fabry disease is due to inactivating mutations in the X-linked GLA gene resulting in deficiency of the enzyme Alpha Galactosidase-A., loss of function.

Submissions (7):

Genomenon, Inc
Classification: Pathogenic for Fabry disease. Last evaluated: 2026-09-08. Review status: criteria provided, single submitter. Criteria: Genomenon Sequence Variant Interpretation Standards - Updated. Collection method: curation. Allele origin: germline. Affected: yes.
Comment: GLA p.Asn34Ser (c.101A>G) is a missense variant that changes the amino acid at codon 34 from Asparagine to Serine. This variant has been observed in at least one proband with clinical features consistent with Fabry disease (PMID:36383556;38002959;7599642;30853972). The variant was found to segregate with disease in at least one affected family (PMID:36383556;30853972;38002959). At least one functional study has demonstrated a substantial alteration in protein function relative to the wild-type (PMID:21598360;31036492;32198894;27657681). It is absent or not present at a significant frequency in gnomAD. In silico models predict that this variant is possibly or probably damaging. In conclusion, we classify GLA p.Asn34Ser (c.101A>G) as a pathogenic variant.

Labcorp Genetics (formerly Invitae), Labcorp
Classification: Pathogenic for Fabry disease. Last evaluated: 2024-06-18. Review status: criteria provided, single submitter. Criteria: Invitae Variant Classification Sherloc (09022015). Collection method: clinical testing. Allele origin: germline.
Comment: This sequence change replaces asparagine, which is neutral and polar, with serine, which is neutral and polar, at codon 34 of the GLA protein (p.Asn34Ser). This variant is not present in population databases (gnomAD no frequency). This missense change has been observed in individuals with Fabry disease (PMID: 7504405, 7599642, 10649504). ClinVar contains an entry for this variant (Variation ID: 10724). Advanced modeling of protein sequence and biophysical properties (such as structural, functional, and spatial information, amino acid conservation, physicochemical variation, residue mobility, and thermodynamic stability) performed at Invitae indicates that this missense variant is expected to disrupt GLA protein function with a positive predictive value of 80%. Experimental studies have shown that this missense change affects GLA function (PMID: 21598360). This variant disrupts the p.Asn34 amino acid residue in GLA. Other variant(s) that disrupt this residue have been observed in individuals with GLA-related conditions (PMID: 16595074), which suggests that this may be a clinically significant amino acid residue. For these reasons, this variant has been classified as Pathogenic.

Revvity Omics, Revvity
Classification: Pathogenic. Last evaluated: 2023-05-12. Review status: criteria provided, single submitter. Criteria: ACMG Guidelines, 2015. Collection method: clinical testing. Allele origin: germline.

Genome-Nilou Lab
Classification: Pathogenic for Fabry disease. Last evaluated: 2021-07-15. Review status: criteria provided, single submitter. Criteria: ACMG Guidelines, 2015. Collection method: clinical testing. Allele origin: germline. Affected: no.

Women's Health and Genetics/Laboratory Corporation of America, LabCorp
Classification: Pathogenic for Fabry disease. Last evaluated: 2019-11-19. Review status: criteria provided, single submitter. Criteria: LabCorp Variant Classification Summary - May 2015. Collection method: clinical testing. Allele origin: germline.
Comment: Variant summary: GLA c.101A>G (p.Asn34Ser) results in a conservative amino acid change located in the Glycoside hydrolase, family 27 domain of the encoded protein sequence. Four of five in-silico tools predict a damaging effect of the variant on protein function. The variant was absent in 183447 control chromosomes (gnomAD). c.101A>G has been reported in the literature in multiple individuals affected with Fabry Disease (Eng_1993, Benjamin_2009, Altarescu_2001). The patients were indicated to have less than 10% alpha-Gal activity (Benjamin_2009, Altarescu_2001). These data indicate that the variant is very likely to be associated with disease. Two ClinVar submissions (evaluation after 2014) cite the variant as pathogenic. Based on the evidence outlined above, the variant was classified as pathogenic.

Eurofins Ntd Llc (ga)
Classification: Pathogenic. Last evaluated: 2018-06-19. Review status: criteria provided, single submitter. Criteria: EGL ClinVar v180209 classification definitions. Collection method: clinical testing. Allele origin: germline. Observed: 1 variant allele, 1 heterozygote.

OMIM
Classification: Pathogenic for FABRY DISEASE. Last evaluated: 1993-12-01. Review status: no assertion criteria provided. Collection method: literature only. Allele origin: germline. Not counted in ClinVar's aggregate classification.

Literature cited by the submitters: PubMed 36383556 (cited by Genomenon, Inc); PubMed 38002959 (cited by Genomenon, Inc); PubMed 7599642 (cited by Genomenon, Inc and Labcorp Genetics (formerly Invitae), Labcorp); PubMed 30853972 (cited by Genomenon, Inc); PubMed 21598360 (cited by Genomenon, Inc and Labcorp Genetics (formerly Invitae), Labcorp); PubMed 31036492 (cited by Genomenon, Inc); PubMed 32198894 (cited by Genomenon, Inc); PubMed 27657681 (cited by Genomenon, Inc and Women's Health and Genetics/Laboratory Corporation of America, LabCorp); PubMed 7504405 (cited by 3 submitters); PubMed 10649504 (cited by Labcorp Genetics (formerly Invitae), Labcorp); PubMed 16595074 (cited by Labcorp Genetics (formerly Invitae), Labcorp); PubMed 11531969 (cited by Women's Health and Genetics/Laboratory Corporation of America, LabCorp).

NM_000169.3(GLA):c.101A>G (p.Asn34Ser)

Genes: GLA (galactosidase alpha; minus strand), RPL36A-HNRNPH2 (RPL36A-HNRNPH2 readthrough; plus strand). Cytogenetic location: Xq22.1.
Variant type: single nucleotide variant.
Coding change: c.101A>G on transcript NM_000169.3 (MANE Select); coding-DNA position 101, A replaced by G.
Protein change: p.Asn34Ser; replaces asparagine 34 with serine.
Molecular consequence: missense variant. On other transcripts: non-coding transcript variant (3), intron variant (2).
Genome position (GRCh38, 1-based): chrX:101,407,803, T>C on the plus strand (A>G on the coding strand, the complement: GLA is on the minus strand). VCF-style: chrX-101407803-T-C. GRCh37 (hg19) VCF-style: chrX-100662791-T-C.
Other names: N34S; c.101A>G, p.Asn34Ser (NM_001406747.1, NM_001406748.1, NM_001406749.1); c.301-4133T>C (NM_001199973.2); c.178-4133T>C (NM_001199974.2).
Identifiers: ClinVar variation 10724 (VCV000010724.17), dbSNP rs104894835, ClinGen allele CA021300.